The following is an entry in ClinVar:

NM_022051.3(EGLN1):c.509G>A (p.Gly170Glu)

Gene: EGLN1 (egl-9 family hypoxia inducible factor 1; minus strand). Cytogenetic location: 1q42.2.
Variant type: single nucleotide variant.
Coding change: c.509G>A on transcript NM_022051.3 (MANE Select); coding-DNA position 509, G replaced by A.
Protein change: p.Gly170Glu; replaces glycine 170 with glutamic acid.
Molecular consequence: missense variant.
Genome position (GRCh38, 1-based): chr1:231,421,380, C>T on the plus strand (G>A on the coding strand, the complement: EGLN1 is on the minus strand). VCF-style: chr1-231421380-C-T. GRCh37 (hg19) VCF-style: chr1-231557126-C-T.
Other names: c.509G>A, p.Gly170Glu (NM_001377260.1, NM_001377261.1); short protein forms G170E.
Identifiers: ClinVar variation 5035848 (VCV005035848.1).

ClinVar aggregate classification (germline): Uncertain significance (1 of 4 stars; one submission).

Submission:

Ambry Genetics
Classification: Uncertain significance. Last evaluated: 2026-08-20. Review status: criteria provided, single submitter. Criteria: Ambry Variant Classification Scheme 2023. Collection method: clinical testing. Allele origin: germline.
Comment: The p.G170E variant (also known as c.509G>A), located in coding exon 1 of the EGLN1 gene, results from a G to A substitution at nucleotide position 509. The glycine at codon 170 is replaced by glutamic acid, an amino acid with similar properties. This amino acid position is not well conserved in available vertebrate species. In addition, this alteration is predicted to be tolerated by in silico analysis. The evidence for this gene-disease relationship is limited; therefore, the clinical significance of this variant is unclear.